The following is an entry in ClinVar:

ClinVar aggregate classification (germline): Uncertain significance (1 of 4 stars; one submission).

gnomAD v4.1: 6 of 1,536,080 alleles (0.00039%); highest among the groups gnomAD compares: Non-Finnish European, 0.00052%; no homozygotes.

Submission:

Labcorp Genetics (formerly Invitae), Labcorp
Classification: Uncertain significance. Last evaluated: 2025-07-28. Review status: criteria provided, single submitter. Criteria: Invitae Variant Classification Sherloc (09022015). Collection method: clinical testing. Allele origin: germline.
Comment: This sequence change replaces alanine, which is neutral and non-polar, with threonine, which is neutral and polar, at codon 96 of the WNT10B protein (p.Ala96Thr). The frequency data for this variant in the population databases is considered unreliable, as metrics indicate poor data quality at this position in the gnomAD database. This variant has not been reported in the literature in individuals affected with WNT10B-related conditions. Invitae Evidence Modeling of protein sequence and biophysical properties (such as structural, functional, and spatial information, amino acid conservation, physicochemical variation, residue mobility, and thermodynamic stability) indicates that this missense variant is not expected to disrupt WNT10B protein function with a negative predictive value of 80%. In summary, the available evidence is currently insufficient to determine the role of this variant in disease. Therefore, it has been classified as a Variant of Uncertain Significance.

NM_003394.4(WNT10B):c.286G>A (p.Ala96Thr)

Gene: WNT10B (Wnt family member 10B; minus strand). Cytogenetic location: 12q13.12.
Variant type: single nucleotide variant.
Coding change: c.286G>A on transcript NM_003394.4 (MANE Select); coding-DNA position 286, G replaced by A.
Protein change: p.Ala96Thr; replaces alanine 96 with threonine.
Molecular consequence: missense variant.
Genome position (GRCh38, 1-based): chr12:48,970,140, C>T on the plus strand (G>A on the coding strand, the complement: WNT10B is on the minus strand). VCF-style: chr12-48970140-C-T. GRCh37 (hg19) VCF-style: chr12-49363923-C-T.
Other names: short protein forms A96T.
Identifiers: ClinVar variation 4760726 (VCV004760726.1).